The following is an entry in ClinVar:

ClinVar aggregate classification (germline): Conflicting classifications of pathogenicity. Review status: criteria provided, conflicting classifications (1 of 4 stars). 4 submissions from 4 submitters: Likely pathogenic (1); Uncertain significance (3). Last evaluated 2026-06-03.

Conditions:
CDKN1C-related disorder. Also called: CDKN1C-related condition.
Beckwith-Wiedemann syndrome (BWS). Also called: EMG SYNDROME; Exomphalos macroglossia gigantism syndrome. Identifiers: Orphanet 116, MedGen C0004903, MONDO:0007534, OMIM 130650.

gnomAD v4.1: 2 of 1,589,388 alleles (0.00013%); highest among the groups gnomAD compares: Non-Finnish European, 0.00017%; no homozygotes.

Submissions (4):

PreventionGenetics, part of Exact Sciences
Classification: Uncertain significance for CDKN1C-related condition. Last evaluated: 2026-06-03. Review status: criteria provided, single submitter. Criteria: ACMG Guidelines, 2015. Collection method: clinical testing. Allele origin: germline.
Comment: The CDKN1C c.133G>A variant is predicted to result in the amino acid substitution p.Glu45Lys. To our knowledge, this variant has not been reported in the literature or in a large population database (gnomAD), indicating this variant is rare. At this time, the clinical significance of this variant is uncertain due to the absence of conclusive functional and genetic evidence.

Labcorp Genetics (formerly Invitae), Labcorp
Classification: Uncertain significance for Beckwith-Wiedemann syndrome. Last evaluated: 2021-08-28. Review status: criteria provided, single submitter. Criteria: Invitae Variant Classification Sherloc (09022015). Collection method: clinical testing. Allele origin: germline.

GeneDx
Classification: Uncertain significance. Last evaluated: 2020-01-31. Review status: criteria provided, single submitter. Criteria: GeneDx Variant Classification Process June 2021. Collection method: clinical testing. Allele origin: germline. Affected: yes.
Comment: Not observed in large population cohorts (Lek et al., 2016); In silico analysis supports that this missense variant has a deleterious effect on protein structure/function; Has not been previously published as pathogenic or benign to our knowledge

Aflac Cancer and Blood Disorders Center, Children's Healthcare of Atlanta
Classification: Likely pathogenic for Beckwith-Wiedemann syndrome. Last evaluated: 2019-11-07. Review status: criteria provided, single submitter. Criteria: ACMG Guidelines, 2015. Collection method: clinical testing. Allele origin: maternal. Inheritance: Autosomal dominant inheritance with maternal imprinting. Affected: yes. Observed: 1 heterozygote.
Comment: Based on absence in controls, localization to cyclin-dependent kinase domain, computational evidence, and additional case-level data, this variant can be classified as likely pathogenic.

NM_001122630.2(CDKN1C):c.100G>A (p.Glu34Lys)

Gene: CDKN1C (cyclin dependent kinase inhibitor 1C; minus strand). Cytogenetic location: 11p15.4.
Variant type: single nucleotide variant.
Coding change: c.100G>A on transcript NM_001122630.2 (MANE Select); coding-DNA position 100, G replaced by A.
Protein change: p.Glu34Lys; replaces glutamic acid 34 with lysine.
Molecular consequence: missense variant.
Genome position (GRCh38, 1-based): chr11:2,885,357, C>T on the plus strand (G>A on the coding strand, the complement: CDKN1C is on the minus strand). VCF-style: chr11-2885357-C-T. GRCh37 (hg19) VCF-style: chr11-2906587-C-T.
Other names: c.133G>A, p.Glu45Lys (NM_000076.2, NM_001362474.2); c.100G>A, p.Glu34Lys (NM_001122631.2, NM_001362475.2); short protein forms E34K, E45K.
Identifiers: ClinVar variation 870570 (VCV000870570.10), dbSNP rs1848977184, ClinGen allele CA379147657.
Genomic context (GRCh38, chr11:2,885,357, plus strand): 5'-AGTCGTAATCCCAGCGGTTCTGGTCCTCGGCGTTCAGCTCGGCCAGGCGGGCCTGCAGCT[C>T]GCGGCTCAGCTCCTCGTGGTCCACCGGCCCGAAGAGGCTGCGGCAGGCGCTGGTGCGCAC-3'
Protein context (NP_001116102.1, residues 24-44): GPVDHEELSR[Glu34Lys]LQARLAELNA